The following is an entry in ClinVar:

ClinVar aggregate classification (germline): Benign/Likely benign. Review status: criteria provided, multiple submitters, no conflicts (2 of 4 stars). 5 submissions from 5 submitters: Benign (2); Likely benign (2). 1 of the submissions does not count toward it. Last evaluated 2026-01-19.

Conditions:
MS4A1-related disorder. Also called: MS4A1-related condition.

Allele frequency attached by ClinVar (database versions not stated): gnomAD exomes 0.00040 and 0.00057; ExAC 0.00044; TOPMed 0.00047; gnomAD 0.00051 and 0.00053; ESP Exome Variant Server 0.00062.
gnomAD v4.1: 700 of 1,613,914 alleles (0.043%); highest among the groups gnomAD compares: Middle Eastern, 0.033%; no homozygotes.

Submissions (5):

Labcorp Genetics (formerly Invitae), Labcorp
Classification: Benign. Last evaluated: 2026-01-19. Review status: criteria provided, single submitter. Criteria: Invitae Variant Classification Sherloc (09022015). Collection method: clinical testing. Allele origin: germline.

Blueprint Genetics
Classification: Likely benign. Last evaluated: 2024-10-23. Review status: criteria provided, single submitter. Criteria: ACMG Guidelines, 2015. Collection method: clinical testing. Allele origin: germline.

CeGaT Center for Human Genetics Tuebingen
Classification: Likely benign. Last evaluated: 2022-03-01. Review status: criteria provided, single submitter. Criteria: CeGaT Center For Human Genetics Tuebingen Variant Classification Criteria Version 2. Collection method: clinical testing. Allele origin: germline. Affected: yes. Observed: 1 variant allele.
Comment: MS4A1: BP4, BP7

Breakthrough Genomics
Classification: Benign. Review status: criteria provided, single submitter. Criteria: ACMG Guidelines, 2015. Collection method: not provided. Allele origin: germline. Inheritance: Autosomal recessive inheritance. Affected: yes.

PreventionGenetics, part of Exact Sciences
Classification: Likely benign for MS4A1-related condition. Last evaluated: 2024-01-24. Review status: no assertion criteria provided. Collection method: clinical testing. Allele origin: germline. Not counted in ClinVar's aggregate classification.
Comment: This variant is classified as likely benign based on ACMG/AMP sequence variant interpretation guidelines (Richards et al. 2015 PMID: 25741868, with internal and published modifications).

NM_152866.3(MS4A1):c.879T>C (p.Asn293=)

Gene: MS4A1 (membrane spanning 4-domains A1; plus strand). Cytogenetic location: 11q12.2.
Variant type: single nucleotide variant.
Coding change: c.879T>C on transcript NM_152866.3 (MANE Select); coding-DNA position 879, T replaced by C.
Protein change: p.Asn293=; no amino-acid change (asparagine 293 retained).
Molecular consequence: synonymous variant.
Genome position (GRCh38, 1-based): chr11:60,468,453, T>C. VCF-style: chr11-60468453-T-C. GRCh37 (hg19) VCF-style: chr11-60235926-T-C.
Other names: c.879T>C, p.Asn293= (NM_021950.4, NM_152867.2); c.879T>C (NM_152866.2).
Identifiers: ClinVar variation 1583602 (VCV001583602.35), dbSNP rs146194368, ClinGen allele CA6025099.